The following is an entry in ClinVar:

NM_004415.4(DSP):c.4741A>G (p.Lys1581Glu)

Gene: DSP (desmoplakin; plus strand). Cytogenetic location: 6p24.3.
Variant type: single nucleotide variant.
Coding change: c.4741A>G on transcript NM_004415.4 (MANE Select); coding-DNA position 4741, A replaced by G.
Protein change: p.Lys1581Glu; replaces lysine 1581 with glutamic acid.
Molecular consequence: missense variant. On other transcripts: intron variant (2).
Genome position (GRCh38, 1-based): chr6:7,580,931, A>G. VCF-style: chr6-7580931-A-G. GRCh37 (hg19) VCF-style: chr6-7581164-A-G.
Other names: c.4741A>G (LRG_423t1, NM_004415.3); c.4050+691A>G (NM_001319034.2); c.3582+1159A>G (NM_001008844.3); short protein forms K1581E.
Identifiers: ClinVar variation 192117 (VCV000192117.32), dbSNP rs186842903, ClinGen allele CA004153.

ClinVar aggregate classification (germline): Conflicting classifications of pathogenicity. Review status: criteria provided, conflicting classifications (1 of 4 stars). 13 submissions from 11 submitters: Uncertain significance (1); Benign (1); Likely benign (11). Last evaluated 2025-12-01.

Conditions:
Cardiovascular phenotype. Identifiers: MedGen CN230736.
DSP-related disorder. Also called: DSP-related condition; DSP-related disorders.
Arrhythmogenic cardiomyopathy with wooly hair and keratoderma. Also called: Dilated cardiomyopathy with woolly hair and keratoderma; Arrhythmogenic cardiomyopathy with woolly hair and keratoderma; PALMOPLANTAR KERATODERMA WITH LEFT VENTRICULAR CARDIOMYOPATHY AND WOOLLY HAIR; Carvajal syndrome. Identifiers: Orphanet 65282, MedGen C1854063, MONDO:0011581, OMIM 605676.
Arrhythmogenic right ventricular dysplasia 8 (ARVD8). Also called: ARRHYTHMOGENIC RIGHT VENTRICULAR CARDIOMYOPATHY 8; Arrhythmogenic Right Ventricular Dysplasia/Cardiomyopathy 8; ARRHYTHMOGENIC RIGHT VENTRICULAR DYSPLASIA, FAMILIAL, 8. Identifiers: MedGen C1843896, MONDO:0011831, OMIM 607450.
Cardiomyopathy (CMYO). Also called: Cardiomyopathies. Identifiers: Orphanet 167848, MedGen C0878544, MONDO:0004994, HP:0001638. Inheritance: Various modes of inheritance.
Woolly hair-skin fragility syndrome (WHSF). Identifiers: Orphanet 293165, MedGen C1843292, MONDO:0957307, OMIM 620415.
Lethal acantholytic epidermolysis bullosa (EBLA). Identifiers: Orphanet 158687, MedGen C1864826, MONDO:0012323, OMIM 609638.

Allele frequency attached by ClinVar (database versions not stated): gnomAD 0.00003 and 0.00011; TOPMed 0.00003; ExAC 0.00023; gnomAD exomes 0.00023 and 0.00034; 1000 Genomes Project 30x 0.00047; 1000 Genomes Project 0.00060.
gnomAD v4.1: 504 of 1,614,152 alleles (0.031%); highest among the groups gnomAD compares: East Asian, 1.1%; 8 homozygotes.

Submissions (13):

CeGaT Center for Human Genetics Tuebingen
Classification: Likely benign. Last evaluated: 2025-12-01. Review status: criteria provided, single submitter. Criteria: CeGaT Center For Human Genetics Tuebingen Variant Classification Criteria Version 2. Collection method: clinical testing. Allele origin: germline. Affected: yes. Observed: 1 variant allele.
Comment: DSP: BP4, BS1

Labcorp Genetics (formerly Invitae), Labcorp
Classification: Likely benign for Arrhythmogenic cardiomyopathy with wooly hair and keratoderma; Arrhythmogenic right ventricular dysplasia 8. Last evaluated: 2025-11-21. Review status: criteria provided, single submitter. Criteria: Invitae Variant Classification Sherloc (09022015). Collection method: clinical testing. Allele origin: germline.

PreventionGenetics, part of Exact Sciences
Classification: Likely benign for DSP-related condition. Last evaluated: 2025-02-12. Review status: criteria provided, single submitter. Criteria: ACMG Guidelines, 2015. Collection method: clinical testing. Allele origin: germline.
Comment: This variant is classified as likely benign based on ACMG/AMP sequence variant interpretation guidelines (Richards et al. 2015 PMID: 25741868, with internal and published modifications).

Women's Health and Genetics/Laboratory Corporation of America, LabCorp
Classification: Likely benign. Last evaluated: 2023-05-15. Review status: criteria provided, single submitter. Criteria: LabCorp Variant Classification Summary - May 2015. Collection method: clinical testing. Allele origin: germline.

Revvity Omics, Revvity
Classification: Uncertain significance. Last evaluated: 2022-04-01. Review status: criteria provided, single submitter. Criteria: ACMG Guidelines, 2015. Collection method: clinical testing. Allele origin: germline.

Ambry Genetics
Classification: Likely benign for Cardiovascular phenotype. Last evaluated: 2020-12-02. Review status: criteria provided, single submitter. Criteria: Ambry Variant Classification Scheme 2023. Collection method: clinical testing. Allele origin: germline.

GeneDx
Classification: Likely benign. Last evaluated: 2020-09-23. Review status: criteria provided, single submitter. Criteria: GeneDx Variant Classification Process June 2021. Collection method: clinical testing. Allele origin: germline. Affected: yes.
Comment: This variant is associated with the following publications: (PMID: 23514727, 29178656, 31024045)

Color Diagnostics, LLC DBA Color Health
Classification: Likely benign for Cardiomyopathy. Last evaluated: 2018-10-10. Review status: criteria provided, single submitter. Criteria: ACMG Guidelines, 2015. Collection method: clinical testing. Allele origin: germline.

Illumina Laboratory Services, Illumina
Classification: Likely benign for Arrhythmogenic right ventricular dysplasia 8. Last evaluated: 2017-04-27. Review status: criteria provided, single submitter. Criteria: ICSL Variant Classification Criteria 13 December 2019. Collection method: clinical testing. Allele origin: germline.
Comment: This variant was observed as part of a predisposition screen in an ostensibly healthy population. A literature search was performed for the gene, cDNA change, and amino acid change (where applicable). Publications were found based on this search. The evidence from the literature, in combination with allele frequency data from public databases where available, was sufficient to determine this variant is unlikely to cause disease. Therefore, this variant is classified as likely benign.

Illumina Laboratory Services, Illumina
Classification: Likely benign for Lethal acantholytic epidermolysis bullosa. Last evaluated: 2017-04-27. Review status: criteria provided, single submitter. Criteria: ICSL Variant Classification Criteria 13 December 2019. Collection method: clinical testing. Allele origin: germline.
Comment: This variant was observed as part of a predisposition screen in an ostensibly healthy population. A literature search was performed for the gene, cDNA change, and amino acid change (where applicable). No publications were found based on this search. Allele frequency data from public databases allowed determination this variant is unlikely to cause disease. Therefore, this variant is classified as likely benign.

Illumina Laboratory Services, Illumina
Classification: Likely benign for Arrhythmogenic cardiomyopathy with wooly hair and keratoderma. Last evaluated: 2017-04-27. Review status: criteria provided, single submitter. Criteria: ICSL Variant Classification Criteria 13 December 2019. Collection method: clinical testing. Allele origin: germline.
Comment: the same text as in the submission from Illumina Laboratory Services, Illumina above.

Stanford Center for Inherited Cardiovascular Disease, Stanford University
Classification: Benign. Last evaluated: 2015-05-26. Review status: criteria provided, single submitter. Criteria: ACMG Guidelines, 2015. Collection method: provider interpretation. Allele origin: germline.

Biesecker Lab/Clinical Genomics Section, National Institutes of Health
Classification: Likely benign. Last evaluated: 2013-06-24. Review status: criteria provided, single submitter. Criteria: Ng et al. (Circ Cardiovasc Genet. 2013). Collection method: research. Allele origin: unknown. Observed: 2 variant alleles. Study: ClinSeq.
Comment: The study set was not selected for affection status in relation to any cancer. Pathogenicity categories were based on literature curation. See Pubmed ID:23861362 for details.

Medical sequencing

Literature cited by the submitters: PubMed 23514727 (cited by Ambry Genetics and Illumina Laboratory Services, Illumina); PubMed 23861362 (cited by Ambry Genetics); PubMed 23524727 (cited by Illumina Laboratory Services, Illumina).